The following is an entry in ClinVar:

ClinVar aggregate classification (germline): Uncertain significance. Review status: criteria provided, multiple submitters, no conflicts (2 of 4 stars). 6 submissions from 6 submitters: Uncertain significance (6). Last evaluated 2025-10-01.

Conditions:
Concentric hypertrophic cardiomyopathy. Identifiers: MedGen C0238044, HP:0005157.
Left ventricular noncompaction cardiomyopathy. Also called: left ventricular non-compaction cardiomyopathy. Identifiers: MedGen C4021133, HP:0011664.
Hypertrophic cardiomyopathy 4. Also called: Familial hypertrophic cardiomyopathy 4. Identifiers: MedGen C1861862, MONDO:0007268, OMIM 115197.
Left ventricular noncompaction 10 (LVNC10). Identifiers: Orphanet 154, Orphanet 54260, MedGen C3715165, MONDO:0014163, OMIM 615396.
Cardiomyopathy (CMYO). Also called: Cardiomyopathies. Identifiers: Orphanet 167848, MedGen C0878544, MONDO:0004994, HP:0001638. Inheritance: Various modes of inheritance.
Hypertrophic cardiomyopathy. Also called: HYPERTROPHIC MYOCARDIOPATHY. Identifiers: Orphanet 217569, MedGen C0007194, MeSH D002312, MONDO:0005045, HP:0001639.

Allele frequency attached by ClinVar (database versions not stated): gnomAD 0.00001 and 0.00002; ExAC 0.00002; gnomAD exomes 0.00002; TOPMed 0.00004.
gnomAD v4.1: 32 of 1,603,130 alleles (0.002%); highest among the groups gnomAD compares: South Asian, 0.0088%; no homozygotes.

Submissions (6):

Labcorp Genetics (formerly Invitae), Labcorp
Classification: Uncertain significance for Hypertrophic cardiomyopathy. Last evaluated: 2025-10-01. Review status: criteria provided, single submitter. Criteria: Invitae Variant Classification Sherloc (09022015). Collection method: clinical testing. Allele origin: germline.
Comment: This sequence change replaces arginine, which is basic and polar, with histidine, which is basic and polar, at codon 1048 of the MYBPC3 protein (p.Arg1048His). This variant is present in population databases (rs769018051, gnomAD 0.006%). This missense change has been observed in individual(s) with clinical features of dilated cardiomyopathy (internal data). ClinVar contains an entry for this variant (Variation ID: 188576). An algorithm developed to predict the effect of missense changes on protein structure and function (PolyPhen-2) suggests that this variant is likely to be tolerated. In summary, the available evidence is currently insufficient to determine the role of this variant in disease. Therefore, it has been classified as a Variant of Uncertain Significance.

Blueprint Genetics
Classification: Uncertain significance. Last evaluated: 2023-12-18. Review status: criteria provided, single submitter. Criteria: ACMG Guidelines, 2015. Collection method: clinical testing. Allele origin: germline.

All of Us Research Program, National Institutes of Health
Classification: Uncertain significance for Hypertrophic cardiomyopathy. Last evaluated: 2023-11-20. Review status: criteria provided, single submitter. Criteria: ACMG Guidelines, 2015. Collection method: clinical testing. Allele origin: germline. Inheritance: Autosomal dominant inheritance. Observed: 4 variant alleles, 4 heterozygotes.
Comment: This missense variant replaces arginine with histidine at codon 1048 of the MYBPC3 protein. Computational prediction suggests that this variant may not impact protein structure and function (internally defined REVEL score threshold <= 0.5, PMID: 27666373). To our knowledge, functional studies have not been reported for this variant. This variant has not been reported in individuals affected with cardiovascular disorders in the literature. This variant has been identified in 6/241696 chromosomes in the general population by the Genome Aggregation Database (gnomAD). The available evidence is insufficient to determine the role of this variant in disease conclusively. Therefore, this variant is classified as a Variant of Uncertain Significance.

This study involves interpretation of variants in research participants for the purpose of population health screening. Participant phenotype was not available at the time of variant classification. Additional details can be found in publication PMID: 35346344, PMCID: PMC8962531

Color Diagnostics, LLC DBA Color Health
Classification: Uncertain significance for Cardiomyopathy. Last evaluated: 2023-11-01. Review status: criteria provided, single submitter. Criteria: ACMG Guidelines, 2015. Collection method: clinical testing. Allele origin: germline.
Comment: This missense variant replaces arginine with histidine at codon 1048 of the MYBPC3 protein. Computational prediction suggests that this variant may not impact protein structure and function (internally defined REVEL score threshold <= 0.4, PMID: 27666373). To our knowledge, functional studies have not been reported for this variant. This variant has not been reported in individuals affected with cardiovascular disorders in the literature. This variant has been identified in 6/241696 chromosomes in the general population by the Genome Aggregation Database (gnomAD). The available evidence is insufficient to determine the role of this variant in disease conclusively. Therefore, this variant is classified as a Variant of Uncertain Significance.

Fulgent Genetics
Classification: Uncertain significance for Hypertrophic cardiomyopathy 4; Left ventricular noncompaction 10. Last evaluated: 2021-07-22. Review status: criteria provided, single submitter. Criteria: ACMG Guidelines, 2015. Collection method: clinical testing. Allele origin: unknown.

Petrovsky National Research Centre of Surgery, The Federal Agency for Scientific Organizations
Classification: Uncertain significance for Left ventricular noncompaction cardiomyopathy; Concentric hypertrophic cardiomyopathy. Last evaluated: 2020-10-16. Review status: criteria provided, single submitter. Criteria: ACMG Guidelines, 2015. Collection method: clinical testing. Allele origin: unknown. Inheritance: Autosomal dominant inheritance. Affected: yes. Observed: 1 heterozygote.
Comment: The frequency of the p.R1048H genetic variant according in gnomAD database is 2.482e-5. According to the online bioinformatic resources the p.R1048H genetic variant is probably pathogenic. However, in the absebse of familial screening (no family members were available) and functional studies we can classify the p.R1048H genetic variant as the variant with uncertain clinical significance.

NM_000256.3(MYBPC3):c.3143G>A (p.Arg1048His)

Gene: MYBPC3 (myosin binding protein C3; minus strand). Cytogenetic location: 11p11.2.
Variant type: single nucleotide variant.
Coding change: c.3143G>A on transcript NM_000256.3 (MANE Select); coding-DNA position 3143, G replaced by A.
Protein change: p.Arg1048His; replaces arginine 1048 with histidine.
Molecular consequence: missense variant.
Genome position (GRCh38, 1-based): chr11:47,333,604, C>T on the plus strand (G>A on the coding strand, the complement: MYBPC3 is on the minus strand). VCF-style: chr11-47333604-C-T. GRCh37 (hg19) VCF-style: chr11-47355155-C-T.
Other names: short protein forms R1048H.
Identifiers: ClinVar variation 188576 (VCV000188576.18), dbSNP rs769018051, ClinGen allele CA013538.
Genomic context (GRCh38, chr11:47,333,604, plus strand): 5'-CTTGGCCACGCACCAACAACCTGCAGCACCAGCGTGGCCTTGTCCTCCATGTTCTCAATG[C>T]GCACCGTCACCTGGTAAGTGCCTGAATGCACGCGGCGAGCGGCCCGGATGAACAGGATGG-3'
Protein context (NP_000247.2, residues 1038-1058): VHSGTYQVTV[Arg1048His]IENMEDKATL